The following is an entry in ClinVar:

ClinVar aggregate classification (germline): Uncertain significance (1 of 4 stars; one submission).

Conditions:
Epileptic encephalopathy. Identifiers: MedGen C0543888, HP:0200134.

Allele frequency attached by ClinVar (database versions not stated): gnomAD exomes below 0.00001; TOPMed below 0.00001.
gnomAD v4.1: 1 of 1,593,282 alleles (0.000063%); highest among the groups gnomAD compares: Admixed American, 0.0018%; no homozygotes.

Submission:

Labcorp Genetics (formerly Invitae), Labcorp
Classification: Uncertain significance for Epileptic encephalopathy. Last evaluated: 2024-12-07. Review status: criteria provided, single submitter. Criteria: Invitae Variant Classification Sherloc (09022015). Collection method: clinical testing. Allele origin: germline.
Comment: This sequence change replaces alanine, which is neutral and non-polar, with valine, which is neutral and non-polar, at codon 1645 of the FASN protein (p.Ala1645Val). The frequency data for this variant in the population databases is considered unreliable, as metrics indicate poor data quality at this position in the gnomAD database. This variant has not been reported in the literature in individuals affected with FASN-related conditions. ClinVar contains an entry for this variant (Variation ID: 937152). An algorithm developed to predict the effect of missense changes on protein structure and function (PolyPhen-2) suggests that this variant is likely to be tolerated. In summary, the available evidence is currently insufficient to determine the role of this variant in disease. Therefore, it has been classified as a Variant of Uncertain Significance.

NM_004104.5(FASN):c.4934C>T (p.Ala1645Val)

Gene: FASN (fatty acid synthase; minus strand). Cytogenetic location: 17q25.3.
Variant type: single nucleotide variant.
Coding change: c.4934C>T on transcript NM_004104.5 (MANE Select); coding-DNA position 4934, C replaced by T.
Protein change: p.Ala1645Val; replaces alanine 1645 with valine.
Molecular consequence: missense variant.
Genome position (GRCh38, 1-based): chr17:82,084,139, G>A on the plus strand (C>T on the coding strand, the complement: FASN is on the minus strand). VCF-style: chr17-82084139-G-A. GRCh37 (hg19) VCF-style: chr17-80042015-G-A.
Other names: short protein forms A1645V.
Identifiers: ClinVar variation 937152 (VCV000937152.9), dbSNP rs1205888170, ClinGen allele CA401541614.
Genomic context (GRCh38, chr17:82,084,139, plus strand): 5'-ACCCGCCCACGCACCACCAGCGCGTAGTAGGCCGTGCTGTAGACGACAGGCACCGAGGCC[G>A]CCTCCTCCAGCGTCCTGGGGATGCAGCAGGTGGGTCAGCACAGGCCTGGCCGCCATCCAC-3'
Protein context (NP_004095.4, residues 1635-1655): DVPSNWTLEE[Ala1645Val]ASVPVVYSTA